The following is an entry in ClinVar:

ClinVar aggregate classification (germline): Uncertain significance. Review status: criteria provided, multiple submitters, no conflicts (2 of 4 stars). 2 submissions from 2 submitters: Uncertain significance (2). Last evaluated 2025-11-18.

Conditions:
Hereditary cancer-predisposing syndrome. Also called: Neoplastic Syndromes, Hereditary; Tumor predisposition; Hereditary neoplastic syndrome; Hereditary Cancer Syndrome. Identifiers: Orphanet 140162, MedGen C0027672, MeSH D009386, MONDO:0015356.
Mitochondrial complex II deficiency, nuclear type 1. Also called: SUCCINATE CoQ REDUCTASE DEFICIENCY. Identifiers: Orphanet 3208, MedGen C5700310, MONDO:0100294, OMIM 252011.
Pheochromocytoma/paraganglioma syndrome 5. Also called: Paragangliomas 5; SDHA-Related Hereditary Paraganglioma-Pheochromocytoma Syndrome. Identifiers: Orphanet 29072, MedGen C3279992, MONDO:0013602, OMIM 614165.

Submissions (2):

Labcorp Genetics (formerly Invitae), Labcorp
Classification: Uncertain significance for Pheochromocytoma/paraganglioma syndrome 5; Mitochondrial complex II deficiency, nuclear type 1. Last evaluated: 2025-11-18. Review status: criteria provided, single submitter. Criteria: Invitae Variant Classification Sherloc (09022015). Collection method: clinical testing. Allele origin: germline.
Comment: This sequence change replaces proline, which is neutral and non-polar, with serine, which is neutral and polar, at codon 433 of the SDHA protein (p.Pro433Ser). This variant is not present in population databases (gnomAD no frequency). This variant has not been reported in the literature in individuals affected with SDHA-related conditions. ClinVar contains an entry for this variant (Variation ID: 567405). Invitae Evidence Modeling of protein sequence and biophysical properties (such as structural, functional, and spatial information, amino acid conservation, physicochemical variation, residue mobility, and thermodynamic stability) indicates that this missense variant is not expected to disrupt SDHA protein function with a negative predictive value of 95%. In summary, the available evidence is currently insufficient to determine the role of this variant in disease. Therefore, it has been classified as a Variant of Uncertain Significance.

Ambry Genetics
Classification: Uncertain significance for Hereditary cancer-predisposing syndrome. Last evaluated: 2024-06-16. Review status: criteria provided, single submitter. Criteria: Ambry Variant Classification Scheme 2023. Collection method: clinical testing. Allele origin: germline.
Comment: The p.P433S variant (also known as c.1297C>T), located in coding exon 10 of the SDHA gene, results from a C to T substitution at nucleotide position 1297. The proline at codon 433 is replaced by serine, an amino acid with similar properties. This amino acid position is conserved. In addition, the in silico prediction for this alteration is inconclusive. Based on the available evidence, the clinical significance of this variant remains unclear.

NM_004168.4(SDHA):c.1297C>T (p.Pro433Ser)

Gene: SDHA (succinate dehydrogenase complex flavoprotein subunit A; plus strand). Cytogenetic location: 5p15.33.
Variant type: single nucleotide variant.
Coding change: c.1297C>T on transcript NM_004168.4 (MANE Select); coding-DNA position 1297, C replaced by T.
Protein change: p.Pro433Ser; replaces proline 433 with serine.
Molecular consequence: missense variant.
Genome position (GRCh38, 1-based): chr5:236,464, C>T. VCF-style: chr5-236464-C-T. GRCh37 (hg19) VCF-style: chr5-236579-C-T.
Other names: c.1297C>T (NM_004168.2); c.1153C>T, p.Pro385Ser (NM_001294332.2); c.1297C>T, p.Pro433Ser (NM_001330758.2); short protein forms P433S, P385S.
Identifiers: ClinVar variation 567405 (VCV000567405.10), dbSNP rs1560998056, ClinGen allele CA359013876.